The following is an entry in ClinVar:

NM_001127464.1:c.3079C>G

Gene: ZNF469 (zinc finger protein 469; plus strand).
Variant type: single nucleotide variant.
Identifiers: ClinVar variation 4845039 (VCV004845039.1).

ClinVar aggregate classification (germline): Uncertain significance (1 of 4 stars; one submission).

Conditions:
Cardiovascular phenotype. Identifiers: MedGen CN230736.

Submission:

Ambry Genetics
Classification: Uncertain significance for Cardiovascular phenotype. Last evaluated: 2026-02-22. Review status: criteria provided, single submitter. Criteria: Ambry Variant Classification Scheme 2023. Collection method: clinical testing. Allele origin: germline.
Comment: The p.R1027G variant (also known as c.3079C>G), located in coding exon 1 of the ZNF469 gene, results from a C to G substitution at nucleotide position 3079. The arginine at codon 1027 is replaced by glycine, an amino acid with dissimilar properties. This amino acid position is conserved. In addition, this alteration is predicted to be tolerated by in silico analysis. Based on the available evidence, the clinical significance of this variant remains unclear.